The following is an entry in ClinVar:

ClinVar aggregate classification (germline): Uncertain significance (1 of 4 stars; one submission).

Conditions:
COG1 congenital disorder of glycosylation (CDG2G). Also called: CDG IIg; CDGII/COG1 CEREBROCOSTOMANDIBULAR-LIKE SYNDROME; CONGENITAL DISORDER OF GLYCOSYLATION, TYPE IIg. Identifiers: Orphanet 263508, MedGen C2931011, MONDO:0012637, OMIM 611209.

Allele frequency attached by ClinVar (database versions not stated): gnomAD exomes 0.00006; gnomAD 0.00007; ExAC 0.00008; TOPMed 0.00008; ESP Exome Variant Server 0.00015.

Submission:

Labcorp Genetics (formerly Invitae), Labcorp
Classification: Uncertain significance for COG1 congenital disorder of glycosylation. Last evaluated: 2025-08-18. Review status: criteria provided, single submitter. Criteria: Invitae Variant Classification Sherloc (09022015). Collection method: clinical testing. Allele origin: germline.
Comment: This sequence change replaces methionine, which is neutral and non-polar, with leucine, which is neutral and non-polar, at codon 135 of the COG1 protein (p.Met135Leu). This variant is present in population databases (rs145300015, gnomAD 0.009%). This variant has not been reported in the literature in individuals affected with COG1-related conditions. ClinVar contains an entry for this variant (Variation ID: 2066407). Invitae Evidence Modeling of protein sequence and biophysical properties (such as structural, functional, and spatial information, amino acid conservation, physicochemical variation, residue mobility, and thermodynamic stability) indicates that this missense variant is not expected to disrupt COG1 protein function with a negative predictive value of 80%. In summary, the available evidence is currently insufficient to determine the role of this variant in disease. Therefore, it has been classified as a Variant of Uncertain Significance.

NM_018714.3(COG1):c.403A>T (p.Met135Leu)

Gene: COG1 (component of oligomeric golgi complex 1; plus strand). Cytogenetic location: 17q25.1.
Variant type: single nucleotide variant.
Coding change: c.403A>T on transcript NM_018714.3 (MANE Select); coding-DNA position 403, A replaced by T.
Protein change: p.Met135Leu; replaces methionine 135 with leucine.
Molecular consequence: missense variant.
Genome position (GRCh38, 1-based): chr17:73,196,594, A>T. VCF-style: chr17-73196594-A-T. GRCh37 (hg19) VCF-style: chr17-71192733-A-T.
Other names: short protein forms M135L.
Identifiers: ClinVar variation 2066407 (VCV002066407.2), dbSNP rs145300015, ClinGen allele CA8739957.